The following is an entry in ClinVar:

NM_018489.3(ASH1L):c.3932_3933delinsA (p.Ile1311fs)

Gene: ASH1L (ASH1 like histone lysine methyltransferase; minus strand). Cytogenetic location: 1q22.
Variant type: Indel.
Coding change: c.3932_3933delinsA on transcript NM_018489.3 (MANE Select); coding-DNA positions 3932 to 3933, TC replaced by A.
Protein change: p.Ile1311fs; shifts the reading frame from isoleucine 1311.
Molecular consequence: frameshift variant.
Genome position (GRCh38, 1-based): chr1:155,478,937-155,478,938, GA replaced by T on the plus strand (TC replaced by A on the coding strand, the reverse complement: ASH1L is on the minus strand). VCF-style: chr1-155478937-GA-T. GRCh37 (hg19) VCF-style: chr1-155448728-GA-T.
Other names: c.3932_3933delinsA, p.Ile1311fs (NM_001366177.2); short protein forms I1311fs.
Identifiers: ClinVar variation 4993003 (VCV004993003.1).

ClinVar aggregate classification (germline): Likely pathogenic (1 of 4 stars; one submission).

Conditions:
ASH1L-related disorder. Also called: ASH1L-related condition.

Submission:

PreventionGenetics, part of Exact Sciences
Classification: Likely pathogenic for ASH1L-related condition. Last evaluated: 2026-08-27. Review status: criteria provided, single submitter. Criteria: ACMG Guidelines, 2015. Collection method: clinical testing. Allele origin: germline.
Comment: The ASH1L c.3932_3933delinsA variant is predicted to result in a frameshift and premature protein termination (p.Ile1311Asnfs*25). To our knowledge, this variant has not been reported in the literature or in a large population database (gnomAD), indicating this variant is rare. Frameshift variants in ASH1L are expected to be pathogenic. This variant is interpreted as likely pathogenic.